The following is an entry in ClinVar:

NM_001267550.2(TTN):c.13883C>T (p.Ser4628Phe)

Gene: TTN (titin; minus strand). Cytogenetic location: 2q31.2.
Variant type: single nucleotide variant.
Coding change: c.13883C>T on transcript NM_001267550.2 (MANE Select); coding-DNA position 13883, C replaced by T.
Protein change: p.Ser4628Phe; replaces serine 4628 with phenylalanine.
Molecular consequence: missense variant. On other transcripts: intron variant (1).
Genome position (GRCh38, 1-based): chr2:178,739,350, G>A on the plus strand (C>T on the coding strand, the complement: TTN is on the minus strand). VCF-style: chr2-178739350-G-A. GRCh37 (hg19) VCF-style: chr2-179604077-G-A.
Other names: p.S4311F:TCC>TTC; c.12932C>T, p.Ser4311Phe (NM_001256850.1); c.12794C>T, p.Ser4265Phe (NM_003319.4); c.13169C>T, p.Ser4390Phe (NM_133432.3); c.13370C>T, p.Ser4457Phe (NM_133437.4); c.10361-990C>T (NM_133378.4); short protein forms S4311F, S4628F, S4390F, S4265F, S4457F.
Identifiers: ClinVar variation 203231 (VCV000203231.7), dbSNP rs794729602, ClinGen allele CA311752.

ClinVar aggregate classification (germline): Conflicting classifications of pathogenicity. Review status: criteria provided, conflicting classifications (1 of 4 stars). 5 submissions from 5 submitters: Uncertain significance (4); Likely benign (1). Last evaluated 2025-03-23.

Conditions:
TTN-related disorder. Also called: TTN-related condition; TTN-related disease; TTN-related disorders.
Dilated cardiomyopathy 1G (CMD1G). Identifiers: Orphanet 154, MedGen C1858763, MONDO:0011400, OMIM 604145.
Autosomal recessive limb-girdle muscular dystrophy type 2J (LGMDR10). Also called: Limb-girdle muscular dystrophy, type 2J; MUSCULAR DYSTROPHY, LIMB-GIRDLE, AUTOSOMAL RECESSIVE 10. Identifiers: Orphanet 140922, MedGen C1837342, MONDO:0012127, OMIM 608807.
Early-onset myopathy with fatal cardiomyopathy (CMYO5). Also called: Salih Myopathy; CONGENITAL MYOPATHY 5 WITH CARDIOMYOPATHY. Identifiers: Orphanet 289377, MedGen C2673677, MONDO:0012714, OMIM 611705. Disease mechanism: loss of function.
Tibial muscular dystrophy (TMD). Also called: Tibial muscular dystrophy, tardive; Udd Distal Myopathy – Tibial Muscular Dystrophy; UDD MYOPATHY. Identifiers: Orphanet 609, MedGen C1838244, MONDO:0010870, OMIM 600334.
Myopathy, myofibrillar, 9, with early respiratory failure (MFM9). Also called: Myopathy, distal, with early respiratory failure, autosomal dominant; MYOPATHY, PROXIMAL, WITH EARLY RESPIRATORY MUSCLE INVOLVEMENT; Hereditary myopathy with early respiratory failure; EDSTROM MYOPATHY. Identifiers: Orphanet 178464, Orphanet 34521, MedGen C1863599, MONDO:0011362, OMIM 603689.
Hypertrophic cardiomyopathy 9. Also called: Familial hypertrophic cardiomyopathy 9. Identifiers: MedGen C1861065, MONDO:0013412, OMIM 613765.
Cardiomyopathy (CMYO). Also called: Cardiomyopathies. Identifiers: Orphanet 167848, MedGen C0878544, MONDO:0004994, HP:0001638. Inheritance: Various modes of inheritance.

Allele frequency attached by ClinVar (database versions not stated): gnomAD exomes 0.00001; TOPMed 0.00002.
gnomAD v4.1: 34 of 1,613,648 alleles (0.0021%); highest among the groups gnomAD compares: Non-Finnish European, 0.0027%; no homozygotes.

Submissions (5):

PreventionGenetics, part of Exact Sciences
Classification: Uncertain significance for TTN-related condition. Last evaluated: 2025-03-23. Review status: criteria provided, single submitter. Criteria: ACMG Guidelines, 2015. Collection method: clinical testing. Allele origin: germline.
Comment: The TTN c.13883C>T variant is predicted to result in the amino acid substitution p.Ser4628Phe. To our knowledge, this variant has not been reported in the literature. This variant is reported in 0.00089% of alleles in individuals of European (Non-Finnish) descent in gnomAD. At this time, the clinical significance of this variant is uncertain due to the absence of conclusive functional and genetic evidence.

CHEO Genetics Diagnostic Laboratory, Children's Hospital of Eastern Ontario
Classification: Likely benign for Cardiomyopathy. Last evaluated: 2022-09-06. Review status: criteria provided, single submitter. Criteria: ACMG Guidelines, 2015. Collection method: clinical testing. Allele origin: germline.

Fulgent Genetics
Classification: Uncertain significance for Tibial muscular dystrophy; Myopathy, myofibrillar, 9, with early respiratory failure; Dilated cardiomyopathy 1G; Autosomal recessive limb-girdle muscular dystrophy type 2J; Early-onset myopathy with fatal cardiomyopathy; Hypertrophic cardiomyopathy 9. Last evaluated: 2021-11-20. Review status: criteria provided, single submitter. Criteria: ACMG Guidelines, 2015. Collection method: clinical testing. Allele origin: unknown.

Labcorp Genetics (formerly Invitae), Labcorp
Classification: Uncertain significance for Dilated cardiomyopathy 1G; Autosomal recessive limb-girdle muscular dystrophy type 2J. Last evaluated: 2017-11-06. Review status: criteria provided, single submitter. Criteria: Invitae Variant Classification Sherloc (09022015). Collection method: clinical testing. Allele origin: germline.

GeneDx
Classification: Uncertain significance. Last evaluated: 2014-08-13. Review status: criteria provided, single submitter. Criteria: GeneDx Variant Classification (06012015). Collection method: clinical testing. Allele origin: germline. Affected: yes.
Comment: Missense variants in the TTN gene are considered 'unclassified' if they are not previously reported in the literature and do not have >1% frequency in the population to be considered a polymorphism. Research indicates that truncating mutations in the TTN gene are expected to account for approximately 25% of familial and 18% of sporadic idiopathic DCM; however, truncating variants in the TTN gene have been reported in approximately 3% of reported control alleles. There has been little investigation into non-truncating variants. (Herman D et al. Truncations of titin causing dilated cardiomyopathy. N Eng J Med 366:619-628, 2012) The variant is found in DCM-CRDM panel(s).